The following is an entry in ClinVar:

ClinVar aggregate classification (germline): Uncertain significance. Review status: criteria provided, multiple submitters, no conflicts (2 of 4 stars). 2 submissions from 2 submitters: Uncertain significance (2). Last evaluated 2023-12-11.

Conditions:
Dilated cardiomyopathy 1KK (CMD1KK). Identifiers: Orphanet 154, Orphanet 75249, MedGen C3714995, MONDO:0014100, OMIM 615248.
Cardiovascular phenotype. Identifiers: MedGen CN230736.

Submissions (2):

Ambry Genetics
Classification: Uncertain significance for Cardiovascular phenotype. Last evaluated: 2023-12-11. Review status: criteria provided, single submitter. Criteria: Ambry Variant Classification Scheme 2023. Collection method: clinical testing. Allele origin: germline.
Comment: The p.M1221I variant (also known as c.3663G>A), located in coding exon 18 of the MYPN gene, results from a G to A substitution at nucleotide position 3663. The methionine at codon 1221 is replaced by isoleucine, an amino acid with highly similar properties. This amino acid position is highly conserved in available vertebrate species. In addition, the in silico prediction for this alteration is inconclusive. Since supporting evidence is limited at this time, the clinical significance of this alteration remains unclear.

Labcorp Genetics (formerly Invitae), Labcorp
Classification: Uncertain significance for Dilated cardiomyopathy 1KK. Last evaluated: 2022-03-22. Review status: criteria provided, single submitter. Criteria: Invitae Variant Classification Sherloc (09022015). Collection method: clinical testing. Allele origin: germline.
Comment: In summary, the available evidence is currently insufficient to determine the role of this variant in disease. Therefore, it has been classified as a Variant of Uncertain Significance. Algorithms developed to predict the effect of missense changes on protein structure and function are either unavailable or do not agree on the potential impact of this missense change (SIFT: "Tolerated"; PolyPhen-2: "Probably Damaging"; Align-GVGD: "Class C0"). ClinVar contains an entry for this variant (Variation ID: 570746). This variant has not been reported in the literature in individuals affected with MYPN-related conditions. This variant is not present in population databases (gnomAD no frequency). This sequence change replaces methionine, which is neutral and non-polar, with isoleucine, which is neutral and non-polar, at codon 1221 of the MYPN protein (p.Met1221Ile).

NM_032578.4(MYPN):c.3663G>A (p.Met1221Ile)

Gene: MYPN (myopalladin; plus strand). Cytogenetic location: 10q21.3.
Variant type: single nucleotide variant.
Coding change: c.3663G>A on transcript NM_032578.4 (MANE Select); coding-DNA position 3663, G replaced by A.
Protein change: p.Met1221Ile; replaces methionine 1221 with isoleucine.
Molecular consequence: missense variant. On other transcripts: non-coding transcript variant (2).
Genome position (GRCh38, 1-based): chr10:68,206,773, G>A. VCF-style: chr10-68206773-G-A. GRCh37 (hg19) VCF-style: chr10-69966530-G-A.
Other names: c.3663G>A, p.Met1221Ile (NM_001256267.2); c.2781G>A, p.Met927Ile (NM_001256268.2); c.3663G>A (NM_032578.2); short protein forms M1221I, M927I.
Identifiers: ClinVar variation 570746 (VCV000570746.7), dbSNP rs1564702438, ClinGen allele CA376828087.